The following is an entry in ClinVar:

NM_001354604.2(MITF):c.1185_1197dup (p.Arg400Ter)

Gene: MITF (melanocyte inducing transcription factor; plus strand). Cytogenetic location: 3p13.
Variant type: Duplication.
Coding change: c.1185_1197dup on transcript NM_001354604.2 (MANE Select); coding-DNA positions 1185 to 1197, 13 bases duplicated (TGAAATGCAGGCT).
Protein change: p.Arg400Ter; replaces arginine 400 with a stop codon.
Molecular consequence: nonsense.
Genome position (GRCh38, 1-based): chr3:69,964,852-69,964,864, TGAAATGCAGGCT duplicated; duplicating any 13 consecutive bases within chr3:69,964,850-69,964,864 gives the same sequence; the c. name uses the placement nearest the transcript's 3' end. VCF-style (leftmost placement, unchanged base first): chr3-69964849-A-ACTTGAAATGCAGG. GRCh37 (hg19) VCF-style: chr3-70014000-A-ACTTGAAATGCAGG.
Other names: c.864_876dup, p.Arg293Ter (NM_000248.4); c.1011_1023dup, p.Arg342Ter (NM_001184967.2, NM_001354608.2); c.1182_1194dup, p.Arg399Ter (NM_001354605.2); c.1164_1176dup, p.Arg393Ter (NM_001354606.2, NM_006722.3); c.1116_1128dup, p.Arg377Ter (NM_001354607.2); c.846_858dup, p.Arg287Ter (NM_198158.3); c.1167_1179dup, p.Arg394Ter (NM_198159.3); c.1119_1131dup, p.Arg378Ter (NM_198177.3); and 1 more; short protein forms R231*, R287*, R293*, R342*, R377*, R378*, R393*, R394*.
Identifiers: ClinVar variation 3755317 (VCV003755317.2).

ClinVar aggregate classification (germline): Pathogenic (1 of 4 stars; one submission).

Conditions:
Tietz syndrome (TADS). Also called: HYPOPIGMENTATION/DEAFNESS OF TIETZ; TIETZ ALBINISM-DEAFNESS SYNDROME; ALBINISM-DEAFNESS OF TIETZ. Identifiers: Orphanet 42665, MedGen C0391816, MONDO:0007077, OMIM 103500.
Waardenburg syndrome type 2A (WS2A). Also called: WAARDENBURG SYNDROME WITHOUT DYSTOPIA CANTHORUM. Identifiers: Orphanet 3440, MedGen C1860339, MONDO:0008671, OMIM 193510.
Melanoma, cutaneous malignant, susceptibility to, 8. Also called: MELANOMA AND RENAL CELL CARCINOMA, SUSCEPTIBILITY TO; Cutaneous malignant melanoma 8. Identifiers: Orphanet 293822, MedGen C3152204, MONDO:0013759, OMIM 614456.

Submission:

Labcorp Genetics (formerly Invitae), Labcorp
Classification: Pathogenic for Melanoma, cutaneous malignant, susceptibility to, 8; Waardenburg syndrome type 2A; Tietz syndrome. Last evaluated: 2024-04-23. Review status: criteria provided, single submitter. Criteria: Invitae Variant Classification Sherloc (09022015). Collection method: clinical testing. Allele origin: germline.
Comment: This sequence change creates a premature translational stop signal (p.Arg293*) in the MITF gene. While this is not anticipated to result in nonsense mediated decay, it is expected to disrupt the last 127 amino acid(s) of the MITF protein. This variant is not present in population databases (gnomAD no frequency). This premature translational stop signal has been observed in individual(s) with autosomal dominant MITF-related conditions (PMID: 28690485). It has also been observed to segregate with disease in related individuals. Algorithms developed to predict the effect of sequence changes on RNA splicing suggest that this variant may disrupt the consensus splice site. For these reasons, this variant has been classified as Pathogenic.

Literature cited by the submitters: PubMed 28690485.